The following is an entry in ClinVar:

ClinVar aggregate classification (germline): Uncertain significance (0 of 4 stars; one submission).

Submission:

ISCA site 1
Classification: Uncertain significance. Last evaluated: 2018-02-12. Review status: no assertion criteria provided. Collection method: clinical testing. Allele origin: maternal. Affected: yes. Observed: 1 variant allele.
Comment: Copy number variation identified through the course of routine clinical cytogenomic testing in postnatal populations, with clinical assertions as classified by the original submitter. For data from the original published study, Kaminsky, et al. 2011 (PubMed 21844811), please see nstd101.

GRCh38/hg38 Xq28(chrX:148999676-149003587)x1

Gene: AFF2 (ALF transcription elongation factor 2; plus strand). Cytogenetic location: Xq28.
Variant type: copy number loss.
Change: copy number 1 of chrX:148,999,676-149,003,587 (3.9 kb, GRCh38 coordinates, 1-based), cytogenetic band Xq28.
Identifiers: ClinVar variation 152271 (VCV000152271.3).